The following is an entry in ClinVar:

ClinVar aggregate classification (germline): Benign. Review status: criteria provided, multiple submitters, no conflicts (2 of 4 stars). 2 submissions from 2 submitters: Benign (2). Last evaluated 2018-01-13.

Conditions:
Acrodysostosis 2 with or without hormone resistance. Also called: ACRODYSOSTOSIS 2 WITH HORMONE RESISTANCE; ACRODYSOSTOSIS 2 WITHOUT HORMONE RESISTANCE. Identifiers: Orphanet 280651, MedGen C3553250, MONDO:0013822, OMIM 614613.

Allele frequency attached by ClinVar (database versions not stated): 1000 Genomes Project 30x 0.64350; 1000 Genomes Project 0.64657; gnomAD 0.65535 and 0.65577; TOPMed 0.66465.

Submissions (2):

Illumina Laboratory Services, Illumina
Classification: Benign for Acrodysostosis 2 with or without hormone resistance. Last evaluated: 2018-01-13. Review status: criteria provided, single submitter. Criteria: ICSL Variant Classification Criteria 13 December 2019. Collection method: clinical testing. Allele origin: germline.
Comment: This variant was observed in the ICSL laboratory as part of a predisposition screen in an ostensibly healthy population. It had not been previously curated by ICSL or reported in the Human Gene Mutation Database (HGMD: prior to June 1st, 2018), and was therefore a candidate for classification through an automated scoring system. Utilizing variant allele frequency, disease prevalence and penetrance estimates, and inheritance mode, an automated score was calculated to assess if this variant is too frequent to cause the disease. Based on the score and internal cut-off values, a variant classified as benign is not then subjected to further curation. The score for this variant resulted in a classification of benign for this disease.

Breakthrough Genomics
Classification: Benign. Review status: criteria provided, single submitter. Criteria: ACMG Guidelines, 2015. Collection method: not provided. Allele origin: germline. Inheritance: Autosomal dominant inheritance. Affected: yes.

NM_001104631.2(PDE4D):c.*4001C>G

Gene: PDE4D (phosphodiesterase 4D; minus strand). Cytogenetic location: 5q11.2.
Variant type: single nucleotide variant.
Coding change: c.*4001C>G on transcript NM_001104631.2 (MANE Select); 4001 bases downstream of the stop codon, C replaced by G.
Molecular consequence: 3 prime UTR variant.
Genome position (GRCh38, 1-based): chr5:58,970,663, G>C on the plus strand (C>G on the coding strand, the complement: PDE4D is on the minus strand). VCF-style: chr5-58970663-G-C. GRCh37 (hg19) VCF-style: chr5-58266490-G-C.
Other names: c.*4001C>G (NM_001165899.2, NM_001197218.2, NM_001197219.2 and 11 more transcripts).
Identifiers: ClinVar variation 353926 (VCV000353926.6), dbSNP rs829258, ClinGen allele CA10624806.